The following is an entry in ClinVar:

NM_000384.3(APOB):c.7021G>C (p.Val2341Leu)

Gene: APOB (apolipoprotein B; minus strand). Cytogenetic location: 2p24.1.
Variant type: single nucleotide variant.
Coding change: c.7021G>C on transcript NM_000384.3 (MANE Select); coding-DNA position 7021, G replaced by C.
Protein change: p.Val2341Leu; replaces valine 2341 with leucine.
Molecular consequence: missense variant.
Genome position (GRCh38, 1-based): chr2:21,009,847, C>G on the plus strand (G>C on the coding strand, the complement: APOB is on the minus strand). VCF-style: chr2-21009847-C-G. GRCh37 (hg19) VCF-style: chr2-21232719-C-G.
Other names: short protein forms V2341L.
Identifiers: ClinVar variation 3417058 (VCV003417058.4).

ClinVar aggregate classification (germline): Conflicting classifications of pathogenicity. Review status: criteria provided, conflicting classifications (1 of 4 stars). 2 submissions from 2 submitters: Uncertain significance (1); Likely benign (1). Last evaluated 2026-09-11.

Conditions:
Hypercholesterolemia, autosomal dominant, type B (FHCL2). Also called: Familial hypercholesterolemia 2; Familial Hypercholesterolemia Type B; APOLIPOPROTEIN B-100, FAMILIAL DEFECTIVE; APOLIPOPROTEIN B-100, FAMILIAL LIGAND-DEFECTIVE; HYPERCHOLESTEROLEMIA, FAMILIAL, DUE TO LIGAND-DEFECTIVE APOLIPOPROTEIN B; APOB-Related Familial Hypercholesterolemia, Autosomal Dominant. Identifiers: MedGen C1704417, MONDO:0007751, OMIM 144010.
Familial hypobetalipoproteinemia 1. Also called: Hypobetalipoproteinemia, normotriglyceridemic; Acanthocytosis with hypobetalipoproteinemia; APOB-Related Familial Hypobetalipoproteinemia. Identifiers: MedGen C4551990, MONDO:0014252, OMIM 615558.
Cardiovascular phenotype. Identifiers: MedGen CN230736.

gnomAD v4.1: 12 of 1,613,928 alleles (0.00074%); highest among the groups gnomAD compares: Non-Finnish European, 0.00076%; no homozygotes.

Submissions (2):

Ambry Genetics
Classification: Uncertain significance for Cardiovascular phenotype. Last evaluated: 2026-09-11. Review status: criteria provided, single submitter. Criteria: Ambry Variant Classification Scheme 2023. Collection method: clinical testing. Allele origin: germline.
Comment: The p.V2341L variant (also known as c.7021G>C), located in coding exon 26 of the APOB gene, results from a G to C substitution at nucleotide position 7021. The valine at codon 2341 is replaced by leucine, an amino acid with highly similar properties. This amino acid position is conserved. In addition, this alteration is predicted to be tolerated by in silico analysis. Based on the available evidence, the clinical significance of this variant remains unclear.

Labcorp Genetics (formerly Invitae), Labcorp
Classification: Likely benign for Familial hypobetalipoproteinemia 1; Hypercholesterolemia, autosomal dominant, type B. Last evaluated: 2024-07-14. Review status: criteria provided, single submitter. Criteria: Invitae Variant Classification Sherloc (09022015). Collection method: clinical testing. Allele origin: germline.